The following is an entry in ClinVar:

ClinVar aggregate classification (germline): Likely benign (1 of 4 stars; one submission).

Allele frequency attached by ClinVar (database versions not stated): ESP Exome Variant Server 0.00069; TOPMed 0.00071; gnomAD 0.00086; gnomAD exomes 0.00098; ExAC 0.00244; 1000 Genomes Project 30x 0.00297; 1000 Genomes Project 0.00339.

Submission:

CeGaT Center for Human Genetics Tuebingen
Classification: Likely benign. Last evaluated: 2023-03-01. Review status: criteria provided, single submitter. Criteria: CeGaT Center For Human Genetics Tuebingen Variant Classification Criteria Version 2. Collection method: clinical testing. Allele origin: germline. Affected: yes. Observed: 1 variant allele.
Comment: IRAK2: BP4, BS2

NM_001570.4(IRAK2):c.-2C>T

Genes: IRAK2 (interleukin 1 receptor associated kinase 2; plus strand), LOC107303341 (3p25 IRAK2 Alu-mediated recombination region; plus strand). Cytogenetic location: 3p25.3.
Variant type: single nucleotide variant.
Coding change: c.-2C>T on transcript NM_001570.4 (MANE Select); 2 bases upstream of the start codon, C replaced by T.
Molecular consequence: 5 prime UTR variant.
Genome position (GRCh38, 1-based): chr3:10,164,953, C>T. VCF-style: chr3-10164953-C-T. GRCh37 (hg19) VCF-style: chr3-10206637-C-T.
Identifiers: ClinVar variation 2653514 (VCV002653514.24), dbSNP rs146076327, ClinGen allele CA2250969.